The following is an entry in ClinVar:

ClinVar aggregate classification (germline): Likely pathogenic. Review status: criteria provided, single submitter (1 of 4 stars). 3 submissions from 3 submitters: Likely pathogenic (1). 2 of the submissions do not count toward it.

Conditions:
Leber congenital amaurosis 12 (LCA12). Identifiers: Orphanet 65, MedGen C1857743, MONDO:0012525, OMIM 610612.

Submissions (3):

Juno Genomics, Hangzhou Juno Genomics, Inc
Classification: Likely pathogenic for Leber congenital amaurosis 12. Review status: criteria provided, single submitter. Criteria: ACMG Guidelines, 2015. Collection method: clinical testing. Allele origin: germline.
Comment: Absent from controls (or at extremely low frequency if recessive) in Genome Aggregation Database.;Null variant in a gene where loss of function (LOF) is a known mechanism of disease.;For recessive disorders, detected in trans with a pathogenic variant.;Co-segregation with disease in multiple affected family members.

OMIM
Classification: Pathogenic for LEBER CONGENITAL AMAUROSIS 12. Last evaluated: 2006-12-01. Review status: no assertion criteria provided. Collection method: literature only. Allele origin: germline. Not counted in ClinVar's aggregate classification.

GeneReviews
No classification provided. Condition: Leber congenital amaurosis 12. Review status: no classification provided. Collection method: literature only. Allele origin: unknown. Not counted in ClinVar's aggregate classification.

Literature cited by the submitters: PubMed 17186464 (cited by OMIM and GeneReviews); PubMed 20301475 (cited by GeneReviews); NCBI Bookshelf NBK1298 (cited by GeneReviews).

NM_001164688.2(RD3):c.296+1G>A

Gene: RD3 (RD3 regulator of GUCY2D; minus strand). Cytogenetic location: 1q32.3.
Variant type: single nucleotide variant.
Coding change: c.296+1G>A on transcript NM_001164688.2 (MANE Select); the canonical splice donor site of the intron after coding-DNA position 296, G replaced by A.
Molecular consequence: splice donor variant.
Genome position (GRCh38, 1-based): chr1:211,481,119, C>T on the plus strand (G>A on the coding strand, the complement: RD3 is on the minus strand). VCF-style: chr1-211481119-C-T. GRCh37 (hg19) VCF-style: chr1-211654461-C-T.
Other names: IVS2DS, G-A, +1; c.296+1G>A (NM_183059.3).
Identifiers: ClinVar variation 13121 (VCV000013121.5), dbSNP rs386834260, ClinGen allele CA341252.
Genomic context (GRCh38, chr1:211,481,119, plus strand): 5'-CCACTGCAGCCACCTTTCCTGGAGCCTGCAGCCCAGCAAGGGTCCCCATCCCAGTGCTCA[C>T]CTGAGGATAGCAGGCCCACAATAGGATGGGTGGATCTTAACGCAGACATCTTCCAGCTGC-3'